The following is an entry in ClinVar:

ClinVar aggregate classification (germline): Uncertain significance (1 of 4 stars; one submission).

Conditions:
Chédiak-Higashi syndrome (CHS). Also called: Chediak-Higashi Syndrome. Identifiers: Orphanet 167, MedGen C0007965, MONDO:0008963, OMIM 214500.

Allele frequency attached by ClinVar (database versions not stated): gnomAD exomes below 0.00001.
gnomAD v4.1: 5 of 1,613,724 alleles (0.00031%); highest among the groups gnomAD compares: Non-Finnish European, 0.00034%; no homozygotes.

Submission:

Labcorp Genetics (formerly Invitae), Labcorp
Classification: Uncertain significance for Chédiak-Higashi syndrome. Last evaluated: 2024-10-25. Review status: criteria provided, single submitter. Criteria: Invitae Variant Classification Sherloc (09022015). Collection method: clinical testing. Allele origin: germline.
Comment: This sequence change replaces leucine, which is neutral and non-polar, with phenylalanine, which is neutral and non-polar, at codon 46 of the LYST protein (p.Leu46Phe). This variant is not present in population databases (gnomAD no frequency). This variant has not been reported in the literature in individuals affected with LYST-related conditions. ClinVar contains an entry for this variant (Variation ID: 2002573). Invitae Evidence Modeling of protein sequence and biophysical properties (such as structural, functional, and spatial information, amino acid conservation, physicochemical variation, residue mobility, and thermodynamic stability) has been performed for this missense variant. However, the output from this modeling did not meet the statistical confidence thresholds required to predict the impact of this variant on LYST protein function. In summary, the available evidence is currently insufficient to determine the role of this variant in disease. Therefore, it has been classified as a Variant of Uncertain Significance.

NM_000081.4(LYST):c.136C>T (p.Leu46Phe)

Gene: LYST (lysosomal trafficking regulator; minus strand). Cytogenetic location: 1q42.3.
Variant type: single nucleotide variant.
Coding change: c.136C>T on transcript NM_000081.4 (MANE Select); coding-DNA position 136, C replaced by T.
Protein change: p.Leu46Phe; replaces leucine 46 with phenylalanine.
Molecular consequence: missense variant. On other transcripts: non-coding transcript variant (1).
Genome position (GRCh38, 1-based): chr1:235,830,282, G>A on the plus strand (C>T on the coding strand, the complement: LYST is on the minus strand). VCF-style: chr1-235830282-G-A. GRCh37 (hg19) VCF-style: chr1-235993582-G-A.
Other names: c.136C>T, p.Leu46Phe (NM_001301365.1); short protein forms L46F.
Identifiers: ClinVar variation 2002573 (VCV002002573.3), dbSNP rs2527300755, ClinGen allele CA344968776.
Genomic context (GRCh38, chr1:235,830,282, plus strand): 5'-TTACCTGATCAATTATAGAATTTAGCTTGGTAAGTAATAGAAATCCTCGACCATGGACAA[G>A]GTACTGTCCAAGGGTTGCCATGTGCGTCTCCTCCTCTTCTTCCTCCCTGGCCTCCACCCT-3'
Protein context (NP_000072.2, residues 36-56): ETHMATLGQY[Leu46Phe]VHGRGFLLLT